The following is an entry in ClinVar:

ClinVar aggregate classification (germline): Uncertain significance (1 of 4 stars; one submission).

Conditions:
Inborn genetic diseases. Identifiers: MedGen C0950123, MeSH D030342.

Submission:

Ambry Genetics
Classification: Uncertain significance for Inborn genetic diseases. Last evaluated: 2026-07-23. Review status: criteria provided, single submitter. Criteria: Ambry Variant Classification Scheme 2023. Collection method: clinical testing. Allele origin: germline.
Comment: The p.E235D variant (also known as c.705A>C), located in coding exon 5 of the SBDS gene, results from an A to C substitution at nucleotide position 705. The glutamic acid at codon 235 is replaced by aspartic acid, an amino acid with highly similar properties. This amino acid position is conserved. In addition, the in silico prediction for this alteration is inconclusive. Based on the available evidence, the clinical significance of this variant remains unclear.

NM_016038.4(SBDS):c.705A>C (p.Glu235Asp)

Gene: SBDS (SBDS ribosome maturation factor; minus strand). Cytogenetic location: 7q11.21.
Variant type: single nucleotide variant.
Coding change: c.705A>C on transcript NM_016038.4 (MANE Select); coding-DNA position 705, A replaced by C.
Protein change: p.Glu235Asp; replaces glutamic acid 235 with aspartic acid.
Molecular consequence: missense variant.
Genome position (GRCh38, 1-based): chr7:66,988,419, T>G on the plus strand (A>C on the coding strand, the complement: SBDS is on the minus strand). VCF-style: chr7-66988419-T-G. GRCh37 (hg19) VCF-style: chr7-66453406-T-G.
Other names: short protein forms E235D.
Identifiers: ClinVar variation 5029027 (VCV005029027.1).